The following is an entry in ClinVar:

ClinVar aggregate classification (germline): Likely benign. Review status: criteria provided, single submitter (1 of 4 stars). 2 submissions from 2 submitters: Likely benign (1). 1 of the submissions does not count toward it. Last evaluated 2024-10-06.

Conditions:
PLXNA2-related disorder. Also called: PLXNA2-related condition.

Allele frequency attached by ClinVar (database versions not stated): gnomAD exomes 0.00005; ExAC 0.00009; TOPMed 0.00009; gnomAD 0.00013 and 0.00014; ESP Exome Variant Server 0.00015.
gnomAD v4.1: 193 of 1,614,090 alleles (0.012%); highest among the groups gnomAD compares: Non-Finnish European, 0.015%; no homozygotes.

Submissions (2):

Labcorp Genetics (formerly Invitae), Labcorp
Classification: Likely benign. Last evaluated: 2024-10-06. Review status: criteria provided, single submitter. Criteria: Invitae Variant Classification Sherloc (09022015). Collection method: clinical testing. Allele origin: germline.

PreventionGenetics, part of Exact Sciences
Classification: Likely benign for PLXNA2-related condition. Last evaluated: 2021-08-31. Review status: no assertion criteria provided. Collection method: clinical testing. Allele origin: germline. Not counted in ClinVar's aggregate classification.
Comment: This variant is classified as likely benign based on ACMG/AMP sequence variant interpretation guidelines (Richards et al. 2015 PMID: 25741868, with internal and published modifications).

NM_025179.4(PLXNA2):c.552C>T (p.Ile184=)

Gene: PLXNA2 (plexin A2; minus strand). Cytogenetic location: 1q32.2.
Variant type: single nucleotide variant.
Coding change: c.552C>T on transcript NM_025179.4 (MANE Select); coding-DNA position 552, C replaced by T.
Protein change: p.Ile184=; no amino-acid change (isoleucine 184 retained).
Molecular consequence: synonymous variant.
Genome position (GRCh38, 1-based): chr1:208,217,371, G>A on the plus strand (C>T on the coding strand, the complement: PLXNA2 is on the minus strand). VCF-style: chr1-208217371-G-A. GRCh37 (hg19) VCF-style: chr1-208390716-G-A.
Identifiers: ClinVar variation 752368 (VCV000752368.7), dbSNP rs375861967, ClinGen allele CA1374057.
Genomic context (GRCh38, chr1:208,217,371, plus strand): 5'-GGGCAGCTTCCGGCTGGACAGGGTCGGGAAGTAATCCTGCTTCCCATCCACAGCCGTGCC[G>A]ATGAAGAGCTTGCCATCCTCACCCTCAGAGCGCACAATCACCCCGTACATGGTGCCCGTC-3'
Protein context (NP_079455.3, residues 174-194): RSEGEDGKLF[Ile184=]GTAVDGKQDY